The following is an entry in ClinVar:

NM_000400.4(ERCC2):c.367C>G (p.Pro123Ala)

Gene: ERCC2 (ERCC excision repair 2, TFIIH core complex helicase subunit; minus strand). Cytogenetic location: 19q13.32.
Variant type: single nucleotide variant.
Coding change: c.367C>G on transcript NM_000400.4 (MANE Select); coding-DNA position 367, C replaced by G.
Protein change: p.Pro123Ala; replaces proline 123 with alanine.
Molecular consequence: missense variant.
Genome position (GRCh38, 1-based): chr19:45,365,152, G>C on the plus strand (C>G on the coding strand, the complement: ERCC2 is on the minus strand). VCF-style: chr19-45365152-G-C. GRCh37 (hg19) VCF-style: chr19-45868410-G-C.
Other names: c.295C>G, p.Pro99Ala (NM_001130867.2); short protein forms P99A, P123A.
Identifiers: ClinVar variation 2566680 (VCV002566680.2), dbSNP rs994071519, ClinGen allele CA406376298.

ClinVar aggregate classification (germline): Uncertain significance (1 of 4 stars; one submission).

Conditions:
Inborn genetic diseases. Identifiers: MedGen C0950123, MeSH D030342.

gnomAD v4.1: 1 of 1,613,840 alleles (0.000062%); highest among the groups gnomAD compares: African/African-American, 0.0013%; no homozygotes.

Submission:

Ambry Genetics
Classification: Uncertain significance for Inborn genetic diseases. Last evaluated: 2023-04-03. Review status: criteria provided, single submitter. Criteria: Ambry Variant Classification Scheme 2023. Collection method: clinical testing. Allele origin: germline.
Comment: The p.P123A variant (also known as c.367C>G), located in coding exon 6 of the ERCC2 gene, results from a C to G substitution at nucleotide position 367. The proline at codon 123 is replaced by alanine, an amino acid with highly similar properties. This amino acid position is conserved. In addition, this alteration is predicted to be tolerated by in silico analysis. Since supporting evidence is limited at this time, the clinical significance of this alteration remains unclear.